The following is an entry in ClinVar:

ClinVar aggregate classification (germline): Pathogenic (1 of 4 stars; one submission).

Conditions:
Charcot-Marie-Tooth disease type 4A. Also called: Charcot-Marie-Tooth disease, demyelinating, autosomal recessive, type 4a. Identifiers: Orphanet 99948, MedGen C1859198, MONDO:0008961, OMIM 214400.

Submission:

Labcorp Genetics (formerly Invitae), Labcorp
Classification: Pathogenic for Charcot-Marie-Tooth disease type 4A. Last evaluated: 2022-09-06. Review status: criteria provided, single submitter. Criteria: Invitae Variant Classification Sherloc (09022015). Collection method: clinical testing. Allele origin: germline.
Comment: For these reasons, this variant has been classified as Pathogenic. ClinVar contains an entry for this variant (Variation ID: 1076570). This variant has not been reported in the literature in individuals affected with GDAP1-related conditions. This variant is not present in population databases (gnomAD no frequency). This sequence change creates a premature translational stop signal (p.Gln8*) in the GDAP1 gene. It is expected to result in an absent or disrupted protein product. Loss-of-function variants in GDAP1 are known to be pathogenic (PMID: 11743580).

Literature cited by the submitters: PubMed 11743580.

NM_018972.4(GDAP1):c.22C>T (p.Gln8Ter)

Genes: GDAP1 (ganglioside induced differentiation associated protein 1; plus strand), LOC130000622 (ATAC-STARR-seq lymphoblastoid active region 27542; plus strand). Cytogenetic location: 8q21.11.
Variant type: single nucleotide variant.
Coding change: c.22C>T on transcript NM_018972.4 (MANE Select); coding-DNA position 22, C replaced by T.
Protein change: p.Gln8Ter; replaces glutamine 8 with a stop codon.
Molecular consequence: nonsense. On other transcripts: 5 prime UTR variant (2), intron variant (1).
Genome position (GRCh38, 1-based): chr8:74,350,483, C>T. VCF-style: chr8-74350483-C-T. GRCh37 (hg19) VCF-style: chr8-75262718-C-T.
Other names: c.-161C>T (NM_001362929.2); c.22C>T, p.Gln8Ter (NM_001362930.2, NM_001362931.2); c.-113C>T (NM_001362932.2); c.-64+11C>T (NM_001040875.4); short protein forms Q8*.
Identifiers: ClinVar variation 1076570 (VCV001076570.7), dbSNP rs1586794015, ClinGen allele CA371499009.